The following is an entry in ClinVar:

ClinVar aggregate classification (germline): Conflicting classifications of pathogenicity. Review status: criteria provided, conflicting classifications (1 of 4 stars). 3 submissions from 3 submitters: Uncertain significance (1); Likely benign (1). 1 of the submissions does not count toward it. Last evaluated 2026-01-07.

Conditions:
GCM2-related disorder. Also called: GCM2-related condition.
Familial hypoparathyroidism. Also called: Familial isolated hypoparathyroidism. Identifiers: Orphanet 2238, MedGen C1832648, MONDO:0016390.

Allele frequency attached by ClinVar (database versions not stated): gnomAD 0.00004 and 0.00005; ExAC 0.00005; TOPMed 0.00012.
gnomAD v4.1: 69 of 1,613,464 alleles (0.0043%); highest among the groups gnomAD compares: Admixed American, 0.11%; no homozygotes.

Submissions (3):

Labcorp Genetics (formerly Invitae), Labcorp
Classification: Likely benign. Last evaluated: 2026-01-07. Review status: criteria provided, single submitter. Criteria: Invitae Variant Classification Sherloc (09022015). Collection method: clinical testing. Allele origin: germline.

Illumina Laboratory Services, Illumina
Classification: Uncertain significance for Hypoparathyroidism, familial isolated 1. Last evaluated: 2018-01-13. Review status: criteria provided, single submitter. Criteria: ICSL Variant Classification Criteria 13 December 2019. Collection method: clinical testing. Allele origin: germline.

PreventionGenetics, part of Exact Sciences
Classification: Likely benign for GCM2-related condition. Last evaluated: 2022-01-25. Review status: no assertion criteria provided. Collection method: clinical testing. Allele origin: germline. Not counted in ClinVar's aggregate classification.
Comment: This variant is classified as likely benign based on ACMG/AMP sequence variant interpretation guidelines (Richards et al. 2015 PMID: 25741868, with internal and published modifications).

NM_004752.4(GCM2):c.687G>A (p.Gly229=)

Gene: GCM2 (glial cells missing transcription factor 2; minus strand). Cytogenetic location: 6p24.2.
Variant type: single nucleotide variant.
Coding change: c.687G>A on transcript NM_004752.4 (MANE Select); coding-DNA position 687, G replaced by A.
Protein change: p.Gly229=; no amino-acid change (glycine 229 retained).
Molecular consequence: synonymous variant.
Genome position (GRCh38, 1-based): chr6:10,874,829, C>T on the plus strand (G>A on the coding strand, the complement: GCM2 is on the minus strand). VCF-style: chr6-10874829-C-T. GRCh37 (hg19) VCF-style: chr6-10875062-C-T.
Identifiers: ClinVar variation 906893 (VCV000906893.9), dbSNP rs755090999, ClinGen allele CA3634011.
Genomic context (GRCh38, chr6:10,874,829, plus strand): 5'-GGTGGCTAGGTCACAGGTAGCTTTGTAAACATCAGACTTTGGGAAGGAAGGGCAAGGCTG[C>T]CCTGGAATAGGGAAGCTGGTTTCAGTAACTATATCAAAGTCTTCTGGATTTTCCAAGGGA-3'
Protein context (NP_004743.1, residues 219-239): IVTETSFPIP[Gly229=]QPCPSFPKSD